The following is an entry in ClinVar:

ClinVar aggregate classification (germline): Uncertain significance (1 of 4 stars; one submission).

Conditions:
Beckwith-Wiedemann syndrome (BWS). Also called: Exomphalos macroglossia gigantism syndrome; EMG SYNDROME. Identifiers: Orphanet 116, MedGen C0004903, MONDO:0007534, OMIM 130650.

Submission:

Labcorp Genetics (formerly Invitae), Labcorp
Classification: Uncertain significance for Beckwith-Wiedemann syndrome. Last evaluated: 2019-05-31. Review status: criteria provided, single submitter. Criteria: Invitae Variant Classification Sherloc (09022015). Collection method: clinical testing. Allele origin: germline.
Comment: The frequency data for this variant in the population databases is considered unreliable, as metrics indicate insufficient coverage at this position in the ExAC database. In summary, the available evidence is currently insufficient to determine the role of this variant in disease. Therefore, it has been classified as a Variant of Uncertain Significance. This variant has not been reported in the literature in individuals with CDKN1C-related conditions. This sequence change replaces valine with methionine at codon 307 of the CDKN1C protein (p.Val307Met). The valine residue is weakly conserved and there is a small physicochemical difference between valine and methionine.

NM_001122630.2(CDKN1C):c.886G>A (p.Val296Met)

Gene: CDKN1C (cyclin dependent kinase inhibitor 1C; minus strand). Cytogenetic location: 11p15.4.
Variant type: single nucleotide variant.
Coding change: c.886G>A on transcript NM_001122630.2 (MANE Select); coding-DNA position 886, G replaced by A.
Protein change: p.Val296Met; replaces valine 296 with methionine.
Molecular consequence: missense variant. On other transcripts: synonymous variant (1).
Genome position (GRCh38, 1-based): chr11:2,884,036, C>T on the plus strand (G>A on the coding strand, the complement: CDKN1C is on the minus strand). VCF-style: chr11-2884036-C-T. GRCh37 (hg19) VCF-style: chr11-2905266-C-T.
Other names: c.919G>A, p.Val307Met (NM_000076.2, NM_001362474.2); c.886G>A, p.Val296Met (NM_001122631.2); c.354G>A, p.Arg118= (NM_001362475.2); short protein forms V296M, V307M.
Identifiers: ClinVar variation 942966 (VCV000942966.9), dbSNP rs1848874863, ClinGen allele CA379144745.